The following is an entry in ClinVar:

NM_000038.6(APC):c.1959-766A>G

Gene: APC (APC regulator of WNT signaling pathway; plus strand). Cytogenetic location: 5q22.2.
Variant type: single nucleotide variant.
Coding change: c.1959-766A>G on transcript NM_000038.6 (MANE Select); 766 bases into the intron before coding-DNA position 1959, A replaced by G.
Molecular consequence: intron variant.
Genome position (GRCh38, 1-based): chr5:112,836,787, A>G. VCF-style: chr5-112836787-A-G. GRCh37 (hg19) VCF-style: chr5-112172484-A-G.
Other names: c.1959-766A>G (NM_001354895.2, NM_001127510.3); c.1989-766A>G (NM_001354897.2); c.1686-766A>G (NM_001354902.2); c.1905-766A>G (NM_001127511.3); c.1884-766A>G (NM_001354898.2); c.1581-766A>G (NM_001354904.2); c.1110-766A>G (NM_001354906.2); c.2013-766A>G (NM_001354896.2); and 5 more.
Identifiers: ClinVar variation 82630 (VCV000082630.2), dbSNP rs78109460, ClinGen allele CA006839.
Genomic context (GRCh38, chr5:112,836,787, plus strand): 5'-GATGGAGTCTCACTCTGTTGTCCAGGTTGGAGTGCAGTGGTGTGATCTCGGCTCACTGCA[A>G]CCTCTGCCTCCCAAGTGATTCTCCTGGCTCAGCCTCCTGAGTAGCTGGGACTACAGGCAT-3'

ClinVar aggregate classification (germline): other (0 of 4 stars; one submission).

Conditions:
Familial colorectal cancer. Identifiers: MedGen CN280943, MONDO:0023113. Disease mechanism: loss of function.

Submission:

Systems Biology Platform Zhejiang California International NanoSystems Institute
Classification: other for Familial colorectal cancer. Review status: no assertion criteria provided. Collection method: not provided. Allele origin: unknown.
ClinVar note: Converted during submission from cancer to other.